The following is an entry in ClinVar:

ClinVar aggregate classification (germline): Likely benign. Review status: criteria provided, multiple submitters, no conflicts (2 of 4 stars). 2 submissions from 2 submitters: Likely benign (2). Last evaluated 2024-10-17.

Allele frequency attached by ClinVar (database versions not stated): 1000 Genomes Project 30x 0.00016; 1000 Genomes Project 0.00020; ExAC 0.00036; ESP Exome Variant Server 0.00038; gnomAD exomes 0.00039; gnomAD 0.00040; TOPMed 0.00045.
gnomAD v4.1: 628 of 1,611,236 alleles (0.039%); highest among the groups gnomAD compares: African/African-American, 0.063%; no homozygotes.

Submissions (2):

Blueprint Genetics
Classification: Likely benign. Last evaluated: 2024-10-17. Review status: criteria provided, single submitter. Criteria: ACMG Guidelines, 2015. Collection method: clinical testing. Allele origin: germline.

CeGaT Center for Human Genetics Tuebingen
Classification: Likely benign. Last evaluated: 2023-09-01. Review status: criteria provided, single submitter. Criteria: CeGaT Center For Human Genetics Tuebingen Variant Classification Criteria Version 2. Collection method: clinical testing. Allele origin: germline. Affected: yes. Observed: 4 variant alleles.
Comment: BRF1: BP4, BP7

NM_001519.4(BRF1):c.1170C>T (p.Pro390=)

Gene: BRF1 (BRF1 general transcription factor IIIB subunit; minus strand). Cytogenetic location: 14q32.33.
Variant type: single nucleotide variant.
Coding change: c.1170C>T on transcript NM_001519.4 (MANE Select); coding-DNA position 1170, C replaced by T.
Protein change: p.Pro390=; no amino-acid change (proline 390 retained).
Molecular consequence: synonymous variant.
Genome position (GRCh38, 1-based): chr14:105,221,793, G>A on the plus strand (C>T on the coding strand, the complement: BRF1 is on the minus strand). VCF-style: chr14-105221793-G-A. GRCh37 (hg19) VCF-style: chr14-105688130-G-A.
Other names: c.825C>T, p.Pro275= (NM_001242786.2, NM_001242787.2); c.1089C>T, p.Pro363= (NM_001242788.2); c.456C>T, p.Pro152= (NM_001242789.2); c.558C>T, p.Pro186= (NM_145685.3).
Identifiers: ClinVar variation 2644907 (VCV002644907.25), dbSNP rs139386341, ClinGen allele CA7387283.